The following is an entry in ClinVar:

ClinVar aggregate classification (germline): Uncertain significance. Review status: criteria provided, single submitter (1 of 4 stars). 2 submissions from 2 submitters: Uncertain significance (1). 1 of the submissions does not count toward it. Last evaluated 2023-06-19.

Conditions:
SPTBN1-related disorder. Also called: SPTBN1-related condition.
Developmental delay, impaired speech, and behavioral abnormalities. Identifiers: MedGen C5561957, MONDO:0859178, OMIM 619475.

Allele frequency attached by ClinVar (database versions not stated): gnomAD 0.00001; TOPMed 0.00002.
gnomAD v4.1: 15 of 1,613,956 alleles (0.00093%); highest among the groups gnomAD compares: African/African-American, 0.0013%; no homozygotes.

Submissions (2):

Revvity Omics, Revvity
Classification: Uncertain significance for Developmental delay, impaired speech, and behavioral abnormalities. Last evaluated: 2023-06-19. Review status: criteria provided, single submitter. Criteria: ACMG Guidelines, 2015. Collection method: clinical testing. Allele origin: germline.

PreventionGenetics, part of Exact Sciences
Classification: Uncertain significance for SPTBN1-related condition. Last evaluated: 2024-09-16. Review status: no assertion criteria provided. Collection method: clinical testing. Allele origin: germline. Not counted in ClinVar's aggregate classification.
Comment: The SPTBN1 c.5270C>T variant is predicted to result in the amino acid substitution p.Thr1757Met. To our knowledge, this variant has not been reported in the literature. This variant is reported in 0.0040% of alleles in individuals of African descent in gnomAD, which is likely too common to be a primary cause of disease. At this time, the clinical significance of this variant is uncertain due to the absence of conclusive functional and genetic evidence.

NM_003128.3(SPTBN1):c.5270C>T (p.Thr1757Met)

Gene: SPTBN1 (spectrin beta, non-erythrocytic 1; plus strand). Cytogenetic location: 2p16.2.
Variant type: single nucleotide variant.
Coding change: c.5270C>T on transcript NM_003128.3 (MANE Select); coding-DNA position 5270, C replaced by T.
Protein change: p.Thr1757Met; replaces threonine 1757 with methionine.
Molecular consequence: missense variant.
Genome position (GRCh38, 1-based): chr2:54,649,682, C>T. VCF-style: chr2-54649682-C-T. GRCh37 (hg19) VCF-style: chr2-54876819-C-T.
Other names: c.5231C>T, p.Thr1744Met (NM_178313.3); c.5270C>T (NM_003128.2); short protein forms T1744M, T1757M.
Identifiers: ClinVar variation 2690153 (VCV002690153.3), dbSNP rs1284612527, ClinGen allele CA346907380.